The following is an entry in ClinVar:

ClinVar aggregate classification (germline): Uncertain significance. Review status: criteria provided, multiple submitters, no conflicts (2 of 4 stars). 2 submissions from 2 submitters: Uncertain significance (2). Last evaluated 2025-08-27.

Conditions:
Inborn genetic diseases. Identifiers: MedGen C0950123, MeSH D030342.

gnomAD v4.1: 8 of 1,610,778 alleles (0.0005%); highest among the groups gnomAD compares: Non-Finnish European, 0.00059%; no homozygotes.

Submissions (2):

Ambry Genetics
Classification: Uncertain significance for Inborn genetic diseases. Last evaluated: 2025-08-27. Review status: criteria provided, single submitter. Criteria: Ambry Variant Classification Scheme 2023. Collection method: clinical testing. Allele origin: germline.

Labcorp Genetics (formerly Invitae), Labcorp
Classification: Uncertain significance. Last evaluated: 2024-01-29. Review status: criteria provided, single submitter. Criteria: Invitae Variant Classification Sherloc (09022015). Collection method: clinical testing. Allele origin: germline.
Comment: This sequence change replaces valine, which is neutral and non-polar, with leucine, which is neutral and non-polar, at codon 188 of the PNPT1 protein (p.Val188Leu). This variant is not present in population databases (gnomAD no frequency). This variant has not been reported in the literature in individuals affected with PNPT1-related conditions. ClinVar contains an entry for this variant (Variation ID: 1478711). Advanced modeling of protein sequence and biophysical properties (such as structural, functional, and spatial information, amino acid conservation, physicochemical variation, residue mobility, and thermodynamic stability) performed at Invitae indicates that this missense variant is not expected to disrupt PNPT1 protein function with a negative predictive value of 80%. In summary, the available evidence is currently insufficient to determine the role of this variant in disease. Therefore, it has been classified as a Variant of Uncertain Significance.

NM_033109.5(PNPT1):c.562G>C (p.Val188Leu)

Gene: PNPT1 (polyribonucleotide nucleotidyltransferase 1; minus strand). Cytogenetic location: 2p16.1.
Variant type: single nucleotide variant.
Coding change: c.562G>C on transcript NM_033109.5 (MANE Select); coding-DNA position 562, G replaced by C.
Protein change: p.Val188Leu; replaces valine 188 with leucine.
Molecular consequence: missense variant.
Genome position (GRCh38, 1-based): chr2:55,680,715, C>G on the plus strand (G>C on the coding strand, the complement: PNPT1 is on the minus strand). VCF-style: chr2-55680715-C-G. GRCh37 (hg19) VCF-style: chr2-55907850-C-G.
Other names: c.562G>C (NM_033109.3); short protein forms V188L.
Identifiers: ClinVar variation 1478711 (VCV001478711.9), dbSNP rs1697221743, ClinGen allele CA346938739.